The following is an entry in ClinVar:

NM_006940.6(SOX5):c.1711C>T (p.Arg571Trp)

Gene: SOX5 (SRY-box transcription factor 5; minus strand). Cytogenetic location: 12p12.1.
Variant type: single nucleotide variant.
Coding change: c.1711C>T on transcript NM_006940.6 (MANE Select); coding-DNA position 1711, C replaced by T.
Protein change: p.Arg571Trp; replaces arginine 571 with tryptophan.
Molecular consequence: missense variant.
Genome position (GRCh38, 1-based): chr12:23,543,271, G>A on the plus strand (C>T on the coding strand, the complement: SOX5 is on the minus strand). VCF-style: chr12-23543271-G-A. GRCh37 (hg19) VCF-style: chr12-23696205-G-A.
Other names: c.1348C>T, p.Arg450Trp (NM_001261414.3); c.1681C>T, p.Arg561Trp (NM_001261415.3); c.1606C>T, p.Arg536Trp (NM_001330785.2); c.1672C>T, p.Arg558Trp (NM_152989.5); c.553C>T, p.Arg185Trp (NM_178010.4); short protein forms R558W, R571W, R185W, R450W, R561W, R536W.
Identifiers: ClinVar variation 620040 (VCV000620040.15), dbSNP rs1565669640, ClinGen allele CA384319816.

ClinVar aggregate classification (germline): Pathogenic/Likely pathogenic. Review status: criteria provided, multiple submitters, no conflicts (2 of 4 stars). 9 submissions from 9 submitters: Pathogenic (4); Likely pathogenic (1). 4 of the submissions do not count toward it. Last evaluated 2025-04-29.

Conditions:
Inborn genetic diseases. Identifiers: MedGen C0950123, MeSH D030342.
SOX5-related disorder. Also called: SOX5-related condition.
Lamb-Shaffer syndrome. Identifiers: Orphanet 313884, Orphanet 313892, Orphanet 530983, MedGen C4225202, MONDO:0014778, OMIM 616803.

gnomAD v4.1: 1 of 1,613,838 alleles (0.000062%); highest among the groups gnomAD compares: Non-Finnish European, 0.000085%; no homozygotes.

Submissions (9):

Ambry Genetics
Classification: Pathogenic for Inborn genetic diseases. Last evaluated: 2025-04-29. Review status: criteria provided, single submitter. Criteria: Ambry Variant Classification Scheme 2023. Collection method: clinical testing. Allele origin: germline.
Comment: The c.1711C>T (p.R571W) alteration is located in exon 13 (coding exon 13) of the SOX5 gene. This alteration results from a C to T substitution at nucleotide position 1711, causing the arginine (R) at amino acid position 571 to be replaced by a tryptophan (W). This variant was not reported in population-based cohorts in the Genome Aggregation Database (gnomAD). This variant was reported in individual(s) with features consistent with Lamb-Shaffer Syndrome; in at least one individual, it was determined to be de novo (Zawerton, 2020). This amino acid position is highly conserved in available vertebrate species. This missense alteration is located in a region that has a low rate of benign missense variation (Lek, 2016; Firth, 2009). This alteration is predicted to be deleterious by in silico analysis. Based on the available evidence, this alteration is classified as pathogenic.

GeneDx
Classification: Pathogenic. Last evaluated: 2022-10-10. Review status: criteria provided, single submitter. Criteria: GeneDx Variant Classification Process June 2021. Collection method: clinical testing. Allele origin: germline. Affected: yes.
Comment: Published functional studies demonstrate R571W damages normal SOX5 function (Zawerton et al., 2020); Not observed in large population cohorts (gnomAD); In silico analysis supports that this missense variant has a deleterious effect on protein structure/function; This variant is associated with the following publications: (PMID: 31578471, 32959227, 31785789)

Blueprint Genetics
Classification: Pathogenic for SOX5-related disorders. Last evaluated: 2021-07-21. Review status: criteria provided, single submitter. Criteria: ACMG Guidelines, 2015. Collection method: clinical testing. Allele origin: germline. Affected: yes. Observed: 1 variant allele.

Knight Diagnostic Laboratories, Oregon Health and Sciences University
Classification: Pathogenic for Lamb-Shaffer syndrome. Last evaluated: 2019-07-29. Review status: criteria provided, single submitter. Criteria: ACMG Guidelines, 2015. Collection method: clinical testing. Allele origin: germline. Observed: 1 variant allele.

Cytogénomique, Hospices Civils de Lyon
Classification: Likely pathogenic for Lamb-Shaffer syndrome. Last evaluated: 2017-05-15. Review status: criteria provided, single submitter. Criteria: ACMG Guidelines, 2015. Collection method: clinical testing. Allele origin: unknown. Inheritance: Autosomal dominant inheritance. Affected: yes.

Molecular Genetics laboratory, Necker Hospital
Classification: Pathogenic. Last evaluated: 2021-12-22. Review status: no assertion criteria provided. Collection method: clinical testing. Allele origin: de novo. Affected: yes. Not counted in ClinVar's aggregate classification.

Institute for Human Genetics, University Hospital Essen
Classification: Pathogenic for Lamb-Shaffer syndrome. Last evaluated: 2019-08-05. Review status: no assertion criteria provided. Collection method: clinical testing. Allele origin: de novo. Inheritance: Autosomal dominant inheritance. Affected: yes. Not counted in ClinVar's aggregate classification.

Clinical Genetics DNA and cytogenetics Diagnostics Lab, Erasmus MC, Erasmus Medical Center
Classification: Uncertain significance. Review status: no assertion criteria provided. Collection method: clinical testing. Allele origin: germline. Affected: yes. Study: VKGL Data-share Consensus. Not counted in ClinVar's aggregate classification.

Diagnostic Laboratory, Department of Genetics, University Medical Center Groningen
Classification: Uncertain significance. Review status: no assertion criteria provided. Collection method: clinical testing. Allele origin: germline. Affected: yes. Study: VKGL Data-share Consensus. Not counted in ClinVar's aggregate classification.

Literature cited by the submitters: PubMed 31578471 (cited by Ambry Genetics).